The following is an entry in ClinVar:

NM_001379200.1(TBX1):c.221C>G (p.Pro74Arg)

Gene: TBX1 (T-box transcription factor 1; plus strand). Cytogenetic location: 22q11.21.
Variant type: single nucleotide variant.
Coding change: c.221C>G on transcript NM_001379200.1 (MANE Select); coding-DNA position 221, C replaced by G.
Protein change: p.Pro74Arg; replaces proline 74 with arginine.
Molecular consequence: missense variant.
Genome position (GRCh38, 1-based): chr22:19,761,064, C>G. VCF-style: chr22-19761064-C-G. GRCh37 (hg19) VCF-style: chr22-19748587-C-G.
Other names: c.194C>G, p.Pro65Arg (NM_005992.1, NM_080646.2, NM_080647.1); short protein forms P65R, P74R.
Identifiers: ClinVar variation 1783189 (VCV001783189.2), dbSNP rs2517842179, ClinGen allele CA410681402.

ClinVar aggregate classification (germline): Uncertain significance (1 of 4 stars; one submission).

Conditions:
Cardiovascular phenotype. Identifiers: MedGen CN230736.

Submission:

Ambry Genetics
Classification: Uncertain significance for Cardiovascular phenotype. Last evaluated: 2021-07-08. Review status: criteria provided, single submitter. Criteria: Ambry Variant Classification Scheme 2023. Collection method: clinical testing. Allele origin: germline.
Comment: The p.P65R variant (also known as c.194C>G), located in coding exon 2 of the TBX1 gene, results from a C to G substitution at nucleotide position 194. The proline at codon 65 is replaced by arginine, an amino acid with dissimilar properties. This amino acid position is conserved. In addition, this alteration is predicted to be tolerated by in silico analysis. Since supporting evidence is limited at this time, the clinical significance of this alteration remains unclear.